The following is an entry in ClinVar:

ClinVar aggregate classification (germline): Uncertain significance. Review status: criteria provided, multiple submitters, no conflicts (2 of 4 stars). 2 submissions from 2 submitters: Uncertain significance (2). Last evaluated 2022-07-05.

Allele frequency attached by ClinVar (database versions not stated): TOPMed below 0.00001.
gnomAD v4.1: 84 of 1,613,940 alleles (0.0052%); highest among the groups gnomAD compares: Non-Finnish European, 0.007%; no homozygotes.

Submissions (2):

Labcorp Genetics (formerly Invitae), Labcorp
Classification: Uncertain significance. Last evaluated: 2022-07-05. Review status: criteria provided, single submitter. Criteria: Invitae Variant Classification Sherloc (09022015). Collection method: clinical testing. Allele origin: germline.
Comment: This sequence change replaces aspartic acid, which is acidic and polar, with asparagine, which is neutral and polar, at codon 135 of the ABHD12 protein (p.Asp135Asn). This variant is present in population databases (rs749992235, gnomAD 0.0009%). This variant has not been reported in the literature in individuals affected with ABHD12-related conditions. ClinVar contains an entry for this variant (Variation ID: 1001548). Algorithms developed to predict the effect of missense changes on protein structure and function (SIFT, PolyPhen-2, Align-GVGD) all suggest that this variant is likely to be tolerated. In summary, the available evidence is currently insufficient to determine the role of this variant in disease. Therefore, it has been classified as a Variant of Uncertain Significance.

Blueprint Genetics
Classification: Uncertain significance. Last evaluated: 2021-10-14. Review status: criteria provided, single submitter. Criteria: ACMG Guidelines, 2015. Collection method: clinical testing. Allele origin: germline.

NM_001042472.3(ABHD12):c.403G>A (p.Asp135Asn)

Gene: ABHD12 (abhydrolase domain containing 12, lysophospholipase; minus strand). Cytogenetic location: 20p11.21.
Variant type: single nucleotide variant.
Coding change: c.403G>A on transcript NM_001042472.3 (MANE Select); coding-DNA position 403, G replaced by A.
Protein change: p.Asp135Asn; replaces aspartic acid 135 with asparagine.
Molecular consequence: missense variant.
Genome position (GRCh38, 1-based): chr20:25,323,344, C>T on the plus strand (G>A on the coding strand, the complement: ABHD12 is on the minus strand). VCF-style: chr20-25323344-C-T. GRCh37 (hg19) VCF-style: chr20-25303980-C-T.
Other names: c.403G>A, p.Asp135Asn (NM_015600.5); short protein forms D135N.
Identifiers: ClinVar variation 1001548 (VCV001001548.7), dbSNP rs749992235, ClinGen allele CA9796166.